The following is an entry in ClinVar:

ClinVar aggregate classification (germline): Uncertain significance (1 of 4 stars; one submission).

Allele frequency attached by ClinVar (database versions not stated): gnomAD exomes below 0.00001; TOPMed below 0.00001.
gnomAD v4.1: 1 of 1,614,142 alleles (0.000062%); highest among the groups gnomAD compares: Non-Finnish European, 0.000085%; no homozygotes.

Submission:

Labcorp Genetics (formerly Invitae), Labcorp
Classification: Uncertain significance. Last evaluated: 2022-07-17. Review status: criteria provided, single submitter. Criteria: Invitae Variant Classification Sherloc (09022015). Collection method: clinical testing. Allele origin: germline.
Comment: This sequence change replaces methionine, which is neutral and non-polar, with valine, which is neutral and non-polar, at codon 382 of the FLVCR1 protein (p.Met382Val). This variant is not present in population databases (gnomAD no frequency). This variant has not been reported in the literature in individuals affected with FLVCR1-related conditions. Algorithms developed to predict the effect of missense changes on protein structure and function are either unavailable or do not agree on the potential impact of this missense change (SIFT: "Deleterious"; PolyPhen-2: "Benign"; Align-GVGD: "Class C15"). In summary, the available evidence is currently insufficient to determine the role of this variant in disease. Therefore, it has been classified as a Variant of Uncertain Significance.

NM_014053.4(FLVCR1):c.1144A>G (p.Met382Val)

Gene: FLVCR1 (FLVCR choline and heme transporter 1; plus strand). Cytogenetic location: 1q32.3.
Variant type: single nucleotide variant.
Coding change: c.1144A>G on transcript NM_014053.4 (MANE Select); coding-DNA position 1144, A replaced by G.
Protein change: p.Met382Val; replaces methionine 382 with valine.
Molecular consequence: missense variant.
Genome position (GRCh38, 1-based): chr1:212,885,344, A>G. VCF-style: chr1-212885344-A-G. GRCh37 (hg19) VCF-style: chr1-213058686-A-G.
Other names: short protein forms M382V.
Identifiers: ClinVar variation 1717046 (VCV001717046.5), dbSNP rs892478726, ClinGen allele CA36890755.